The following is an entry in ClinVar:

ClinVar aggregate classification (germline): Benign/Likely benign. Review status: criteria provided, multiple submitters, no conflicts (2 of 4 stars). 5 submissions from 5 submitters: Benign (2); Likely benign (3). Last evaluated 2026-01-21.

Allele frequency attached by ClinVar (database versions not stated): gnomAD exomes 0.00010 and 0.00035; ExAC 0.00048; 1000 Genomes Project 0.00100; gnomAD 0.00115 and 0.00126; ESP Exome Variant Server 0.00123; 1000 Genomes Project 30x 0.00125; TOPMed 0.00131.
gnomAD v4.1: 330 of 1,582,256 alleles (0.021%); highest among the groups gnomAD compares: African/African-American, 0.4%; no homozygotes.

Submissions (5):

Women's Health and Genetics/Laboratory Corporation of America, LabCorp
Classification: Likely benign. Last evaluated: 2026-01-21. Review status: criteria provided, single submitter. Criteria: LabCorp Variant Classification Summary - May 2015. Collection method: clinical testing. Allele origin: germline.

Labcorp Genetics (formerly Invitae), Labcorp
Classification: Benign. Last evaluated: 2025-08-19. Review status: criteria provided, single submitter. Criteria: Invitae Variant Classification Sherloc (09022015). Collection method: clinical testing. Allele origin: germline.

Blueprint Genetics
Classification: Likely benign. Last evaluated: 2024-03-01. Review status: criteria provided, single submitter. Criteria: ACMG Guidelines, 2015. Collection method: clinical testing. Allele origin: germline.

GeneDx
Classification: Likely benign. Last evaluated: 2020-10-28. Review status: criteria provided, single submitter. Criteria: GeneDx Variant Classification Process June 2021. Collection method: clinical testing. Allele origin: germline. Affected: yes.

Laboratory for Molecular Medicine, Mass General Brigham Personalized Medicine
Classification: Benign. Last evaluated: 2016-08-24. Review status: criteria provided, single submitter. Criteria: LMM Criteria. Collection method: clinical testing. Allele origin: germline. Observed: 2 variant alleles.
Comment: 4439-12C>T in intron 31 of MYO3A: This variant is not expected to have clinical significance because it has been identified in 0.6% (51/9046) of African chromos omes by the Exome Aggregation Consortium (ExAC; dbSNP rs201689300).

NM_017433.5(MYO3A):c.4439-12C>T

Gene: MYO3A (myosin IIIA; plus strand). Cytogenetic location: 10p12.1.
Variant type: single nucleotide variant.
Coding change: c.4439-12C>T on transcript NM_017433.5 (MANE Select); 12 bases into the intron before coding-DNA position 4439, C replaced by T.
Molecular consequence: intron variant.
Genome position (GRCh38, 1-based): chr10:26,193,193, C>T. VCF-style: chr10-26193193-C-T. GRCh37 (hg19) VCF-style: chr10-26482122-C-T.
Identifiers: ClinVar variation 178471 (VCV000178471.14), dbSNP rs201689300, ClinGen allele CA182396.